The following is an entry in ClinVar:

ClinVar aggregate classification (germline): Uncertain significance (1 of 4 stars; one submission).

Conditions:
Primary ciliary dyskinesia. Also called: Ciliary dyskinesia. Identifiers: Orphanet 244, MedGen C0008780, MONDO:0016575, HP:0012265.

gnomAD v4.1: 2 of 1,613,614 alleles (0.00012%); highest among the groups gnomAD compares: Non-Finnish European, 0.000085%; no homozygotes.

Submission:

Labcorp Genetics (formerly Invitae), Labcorp
Classification: Uncertain significance for Primary ciliary dyskinesia. Last evaluated: 2021-08-27. Review status: criteria provided, single submitter. Criteria: Invitae Variant Classification Sherloc (09022015). Collection method: clinical testing. Allele origin: germline.
Comment: This sequence change replaces valine with methionine at codon 1440 of the DNAH11 protein (p.Val1440Met). The valine residue is moderately conserved and there is a small physicochemical difference between valine and methionine. This variant is not present in population databases (ExAC no frequency). This variant has not been reported in the literature in individuals affected with DNAH11-related conditions. Algorithms developed to predict the effect of missense changes on protein structure and function output the following: SIFT: "Tolerated"; PolyPhen-2: "Benign"; Align-GVGD: "Class C0". The methionine amino acid residue is found in multiple mammalian species, which suggests that this missense change does not adversely affect protein function. In summary, the available evidence is currently insufficient to determine the role of this variant in disease. Therefore, it has been classified as a Variant of Uncertain Significance.

NM_001277115.2(DNAH11):c.4318G>A (p.Val1440Met)

Gene: DNAH11 (dynein axonemal heavy chain 11; plus strand). Cytogenetic location: 7p15.3.
Variant type: single nucleotide variant.
Coding change: c.4318G>A on transcript NM_001277115.2 (MANE Select); coding-DNA position 4318, G replaced by A.
Protein change: p.Val1440Met; replaces valine 1440 with methionine.
Molecular consequence: missense variant.
Genome position (GRCh38, 1-based): chr7:21,619,163, G>A. VCF-style: chr7-21619163-G-A. GRCh37 (hg19) VCF-style: chr7-21658781-G-A.
Other names: short protein forms V1440M.
Identifiers: ClinVar variation 846418 (VCV000846418.7), dbSNP rs753773546, ClinGen allele CA366952606.